The following is an entry in ClinVar:

ClinVar aggregate classification (germline): Likely pathogenic (1 of 4 stars; one submission).

Conditions:
Familial dysautonomia. Also called: FD; HSAN III. Identifiers: Orphanet 1764, MedGen C0013364, MONDO:0009131, OMIM 223900. Disease mechanism: loss of function.

Submission:

Myriad Genetics, Inc.
Classification: Likely pathogenic for Familial dysautonomia. Last evaluated: 2025-12-05. Review status: criteria provided, single submitter. Criteria: Myriad Autosomal Dominant, Autosomal Recessive and X-Linked Classification Criteria (2023). Collection method: clinical testing. Allele origin: unknown.
Comment: NM_003640.3(ELP1):c.2588-2delA is a variant in a canonical splice site classified as likely pathogenic in the context of familial dysautonomia. c.2588-2delA has not been observed in cases with relevant disease. Relevant functional assessments of this variant are not available in the literature. c.2588-2delA has not been observed in referenced population frequency databases. In summary, NM_003640.3(ELP1):c.2588-2delA is a variant in a canonical splice site in a gene where loss of function is a known mechanism of disease and is predicted to disrupt protein function. Please note: this variant was assessed in the context of healthy population screening.

NM_003640.5(ELP1):c.2588-2del

Gene: ELP1 (elongator acetyltransferase complex subunit 1; minus strand). Cytogenetic location: 9q31.3.
Variant type: Deletion.
Coding change: c.2588-2del on transcript NM_003640.5 (MANE Select); the canonical splice acceptor site of the intron before coding-DNA position 2588, one base deleted (A; older notation c.2588-2delA).
Molecular consequence: splice acceptor variant.
Genome position (GRCh38, 1-based): chr9:108,896,646, T deleted on the plus strand (A on the coding strand, the reverse complement: ELP1 is on the minus strand). VCF-style (leftmost placement, unchanged base first): chr9-108896645-CT-C. GRCh37 (hg19) VCF-style: chr9-111658925-CT-C.
Other names: c.2246-2del (NM_001318360.2); c.1541-2del (NM_001330749.2).
Identifiers: ClinVar variation 5003306 (VCV005003306.1).